The following is an entry in ClinVar:

ClinVar aggregate classification (germline): Uncertain significance (1 of 4 stars; one submission).

Conditions:
Cardiovascular phenotype. Identifiers: MedGen CN230736.

Allele frequency attached by ClinVar (database versions not stated): TOPMed 0.00001.

Submission:

Ambry Genetics
Classification: Uncertain significance for Cardiovascular phenotype. Last evaluated: 2019-06-28. Review status: criteria provided, single submitter. Criteria: Ambry Variant Classification Scheme 2023. Collection method: clinical testing. Allele origin: germline.
Comment: The p.N353K variant (also known as c.1059C>G), located in coding exon 12 of the CACNA2D1 gene, results from a C to G substitution at nucleotide position 1059. The asparagine at codon 353 is replaced by lysine, an amino acid with similar properties. This amino acid position is highly conserved in available vertebrate species. In addition, this alteration is predicted to be tolerated by in silico analysis.

NM_000722.4(CACNA2D1):c.1059C>G (p.Asn353Lys)

Gene: CACNA2D1 (calcium voltage-gated channel auxiliary subunit alpha2delta 1; minus strand). Cytogenetic location: 7q21.11.
Variant type: single nucleotide variant.
Coding change: c.1059C>G on transcript NM_000722.4 (MANE Select); coding-DNA position 1059, C replaced by G.
Protein change: p.Asn353Lys; replaces asparagine 353 with lysine.
Molecular consequence: missense variant.
Genome position (GRCh38, 1-based): chr7:82,032,881, G>C on the plus strand (C>G on the coding strand, the complement: CACNA2D1 is on the minus strand). VCF-style: chr7-82032881-G-C. GRCh37 (hg19) VCF-style: chr7-81662197-G-C.
Other names: c.1059C>G, p.Asn353Lys (NM_001366867.1); short protein forms N353K.
Identifiers: ClinVar variation 1779428 (VCV001779428.2), dbSNP rs950814665, ClinGen allele CA161136761.